The following is an entry in ClinVar:

NM_001174089.2(SLC4A11):c.78C>T (p.Phe26=)

Gene: SLC4A11 (solute carrier family 4 member 11; minus strand). Cytogenetic location: 20p13.
Variant type: single nucleotide variant.
Coding change: c.78C>T on transcript NM_001174089.2 (MANE Select); coding-DNA position 78, C replaced by T.
Protein change: p.Phe26=; no amino-acid change (phenylalanine 26 retained).
Molecular consequence: synonymous variant. On other transcripts: non-coding transcript variant (1).
Genome position (GRCh38, 1-based): chr20:3,237,554, G>A on the plus strand (C>T on the coding strand, the complement: SLC4A11 is on the minus strand). VCF-style: chr20-3237554-G-A. GRCh37 (hg19) VCF-style: chr20-3218200-G-A.
Other names: c.207C>T, p.Phe69= (NM_001174090.2); c.78C>T, p.Phe26= (NM_001363745.2); c.126C>T, p.Phe42= (NM_032034.4).
Identifiers: ClinVar variation 741445 (VCV000741445.15), dbSNP rs35732230, ClinGen allele CA9742472.

ClinVar aggregate classification (germline): Likely benign. Review status: criteria provided, multiple submitters, no conflicts (2 of 4 stars). 4 submissions from 4 submitters: Likely benign (3). 1 of the submissions does not count toward it. Last evaluated 2026-06-01.

Conditions:
SLC4A11-related disorder. Also called: SLC4A11-related condition.
Corneal dystrophy-perceptive deafness syndrome (CDPD). Also called: CORNEAL DYSTROPHY AND SENSORINEURAL DEAFNESS; HARBOYAN SYNDROME. Identifiers: Orphanet 1490, MedGen C1857572, MONDO:0009015, OMIM 217400.

Allele frequency attached by ClinVar (database versions not stated): gnomAD exomes 0.00011; ExAC 0.00013; ESP Exome Variant Server 0.00031; gnomAD 0.00035; TOPMed 0.00037; 1000 Genomes Project 30x 0.00078; 1000 Genomes Project 0.00080.
gnomAD v4.1: 98 of 1,614,014 alleles (0.0061%); highest among the groups gnomAD compares: African/African-American, 0.1%; no homozygotes.

Submissions (4):

CeGaT Center for Human Genetics Tuebingen
Classification: Likely benign. Last evaluated: 2026-06-01. Review status: criteria provided, single submitter. Criteria: CeGaT Center For Human Genetics Tuebingen Variant Classification Criteria Version 2. Collection method: clinical testing. Allele origin: germline. Affected: yes. Observed: 1 variant allele.
Comment: SLC4A11: BP4, BP7

PreventionGenetics, part of Exact Sciences
Classification: Likely benign for SLC4A11-related condition. Last evaluated: 2026-03-28. Review status: criteria provided, single submitter. Criteria: ACMG Guidelines, 2015. Collection method: clinical testing. Allele origin: germline.
Comment: This variant is classified as likely benign based on ACMG/AMP sequence variant interpretation guidelines (Richards et al. 2015 PMID: 25741868, with internal and published modifications).

Labcorp Genetics (formerly Invitae), Labcorp
Classification: Likely benign. Last evaluated: 2026-01-14. Review status: criteria provided, single submitter. Criteria: Invitae Variant Classification Sherloc (09022015). Collection method: clinical testing. Allele origin: germline.

Natera, Inc.
Classification: Likely benign for Harboyan syndrome. Last evaluated: 2020-09-16. Review status: no assertion criteria provided. Collection method: clinical testing. Allele origin: germline. Not counted in ClinVar's aggregate classification.